The following is an entry in ClinVar:

NM_000618.5(IGF1):c.*3388C>T

Genes: IGF1 (insulin like growth factor 1; minus strand), LINC02456 (long intergenic non-protein coding RNA 2456; plus strand). Cytogenetic location: 12q23.2.
Variant type: single nucleotide variant.
Coding change: c.*3388C>T on transcript NM_000618.5 (MANE Select); 3388 bases downstream of the stop codon, C replaced by T.
Molecular consequence: 3 prime UTR variant.
Genome position (GRCh38, 1-based): chr12:102,399,119, G>A on the plus strand (C>T on the coding strand, the complement: IGF1 is on the minus strand). VCF-style: chr12-102399119-G-A. GRCh37 (hg19) VCF-style: chr12-102792897-G-A.
Other names: c.*3422C>T (NM_001111283.3); c.*3388C>T (NM_001111284.2).
Identifiers: ClinVar variation 306873 (VCV000306873.6), dbSNP rs5742705, ClinGen allele CA10631936.

ClinVar aggregate classification (germline): Benign. Review status: criteria provided, multiple submitters, no conflicts (2 of 4 stars). 2 submissions from 2 submitters: Benign (2). Last evaluated 2018-01-13.

Conditions:
Growth delay due to insulin-like growth factor type 1 deficiency (IGF1D). Also called: GROWTH RETARDATION WITH SENSORINEURAL DEAFNESS AND MENTAL RETARDATION; IGF1 DEFICIENCY. Identifiers: Orphanet 73272, MedGen C1837475, MONDO:0012110, OMIM 608747.

Allele frequency attached by ClinVar (database versions not stated): gnomAD exomes 0.01688; 1000 Genomes Project 0.02077; TOPMed 0.02490; gnomAD 0.02565 and 0.02689.
gnomAD v4.1: 3,902 of 151,620 alleles (2.6%); highest among the groups gnomAD compares: African/African-American, 3.6%; 57 homozygotes.

Submissions (2):

Illumina Laboratory Services, Illumina
Classification: Benign for Growth delay due to insulin-like growth factor type 1 deficiency. Last evaluated: 2018-01-13. Review status: criteria provided, single submitter. Criteria: ICSL Variant Classification Criteria 13 December 2019. Collection method: clinical testing. Allele origin: germline.
Comment: This variant was observed in the ICSL laboratory as part of a predisposition screen in an ostensibly healthy population. It had not been previously curated by ICSL or reported in the Human Gene Mutation Database (HGMD: prior to June 1st, 2018), and was therefore a candidate for classification through an automated scoring system. Utilizing variant allele frequency, disease prevalence and penetrance estimates, and inheritance mode, an automated score was calculated to assess if this variant is too frequent to cause the disease. Based on the score and internal cut-off values, a variant classified as benign is not then subjected to further curation. The score for this variant resulted in a classification of benign for this disease.

Breakthrough Genomics
Classification: Benign. Review status: criteria provided, single submitter. Criteria: ACMG Guidelines, 2015. Collection method: not provided. Allele origin: germline. Inheritance: Autosomal recessive inheritance. Affected: yes.